The following is an entry in ClinVar:

NM_003489.4(NRIP1):c.3465_3468del (p.Lys1155fs)

Gene: NRIP1 (nuclear receptor interacting protein 1; minus strand). Cytogenetic location: 21q11.2.
Variant type: Microsatellite.
Coding change: c.3465_3468del on transcript NM_003489.4 (MANE Select); coding-DNA positions 3465 to 3468, 4 bases deleted (AGAA; older notation c.3465_3468delAGAA).
Protein change: p.Lys1155fs; shifts the reading frame from lysine 1155.
Molecular consequence: frameshift variant.
Genome position (GRCh38, 1-based): chr21:14,964,725-14,964,728, TTCT deleted on the plus strand (AGAA on the coding strand, the reverse complement: NRIP1 is on the minus strand); deleting any 4 consecutive bases within chr21:14,964,725-14,964,734 gives the same sequence; the c. name uses the placement nearest the transcript's 3' end. VCF-style (leftmost placement, unchanged base first): chr21-14964724-ATTCT-A. GRCh37 (hg19) VCF-style: chr21-16337045-ATTCT-A.
Other names: c.3465_3468delAGAA (NM_003489.4); short protein forms K1155fs.
Identifiers: ClinVar variation 1723300 (VCV001723300.8), dbSNP rs776126740, ClinGen allele CA9980943.

ClinVar aggregate classification (germline): Uncertain significance. Review status: criteria provided, multiple submitters, no conflicts (2 of 4 stars). 3 submissions from 3 submitters: Uncertain significance (3). Last evaluated 2024-01-08.

Conditions:
Congenital anomalies of kidney and urinary tract 3. Identifiers: MedGen C4748921, MONDO:0032646, OMIM 618270.

Submissions (3):

Women's Health and Genetics/Laboratory Corporation of America, LabCorp
Classification: Uncertain significance. Last evaluated: 2024-01-08. Review status: criteria provided, single submitter. Criteria: LabCorp Variant Classification Summary - May 2015. Collection method: clinical testing. Allele origin: germline.
Comment: Variant summary: NRIP1 c.3465_3468delAGAA (p.Lys1155AsnfsX15) causes a frameshift which results in an extension of the protein, altering the last 4 amino acids in the native protein sequence and extending the protein by 10 amino acid. The molecular mechanism of disease attributed to NRIP1 is gain-of-function. The variant allele was found at a frequency of 0.00011 in 1539272 control chromosomes. To our knowledge, no occurrence of c.3465_3468delAGAA in individuals affected with Congenital Anomalies Of Kidney And Urinary Tract 3 and no experimental evidence demonstrating its impact on protein function have been reported. ClinVar contains an entry for this variant (Variation ID: 1723300). Based on the evidence outlined above, the variant was classified as uncertain significance.

Department of Pathology and Laboratory Medicine, Sinai Health System
Classification: Uncertain significance for Congenital anomalies of kidney and urinary tract 3. Last evaluated: 2023-03-22. Review status: criteria provided, single submitter. Criteria: ACMG Guidelines, 2015. Collection method: research. Allele origin: germline.

Labcorp Genetics (formerly Invitae), Labcorp
Classification: Uncertain significance. Last evaluated: 2022-10-24. Review status: criteria provided, single submitter. Criteria: Invitae Variant Classification Sherloc (09022015). Collection method: clinical testing. Allele origin: germline.
Comment: In summary, the available evidence is currently insufficient to determine the role of this variant in disease. Therefore, it has been classified as a Variant of Uncertain Significance. Experimental studies and prediction algorithms are not available or were not evaluated, and the functional significance of this variant is currently unknown. This variant has not been reported in the literature in individuals affected with NRIP1-related conditions. This variant is present in population databases (rs776126740, gnomAD 0.03%). This sequence change results in a frameshift in the NRIP1 gene (p.Lys1155Asnfs*15). While this is not anticipated to result in nonsense mediated decay, it is expected to disrupt the last 4 amino acid(s) of the NRIP1 protein and extend the protein by 10 additional amino acid residues.